The following is an entry in ClinVar:

NM_015836.4(WARS2):c.806G>A (p.Arg269His)

Gene: WARS2 (tryptophanyl tRNA synthetase 2, mitochondrial; minus strand). Cytogenetic location: 1p12.
Variant type: single nucleotide variant.
Coding change: c.806G>A on transcript NM_015836.4 (MANE Select); coding-DNA position 806, G replaced by A.
Protein change: p.Arg269His; replaces arginine 269 with histidine.
Molecular consequence: missense variant. On other transcripts: 3 prime UTR variant (2).
Genome position (GRCh38, 1-based): chr1:119,033,188, C>T on the plus strand (G>A on the coding strand, the complement: WARS2 is on the minus strand). VCF-style: chr1-119033188-C-T. GRCh37 (hg19) VCF-style: chr1-119575811-C-T.
Other names: c.737G>A, p.Arg246His (NM_001378226.1, NM_001378227.1); c.635G>A, p.Arg212His (NM_001378228.1); c.548G>A, p.Arg183His (NM_001378229.1); c.524G>A, p.Arg175His (NM_001378230.1); c.*141G>A (NM_001378231.1); c.*172G>A (NM_201263.2); c.806G>A (NM_015836.3); short protein forms R175H, R183H, R212H, R246H, R269H.
Identifiers: ClinVar variation 2417820 (VCV002417820.5), dbSNP rs545906519, ClinGen allele CA1035214.

ClinVar aggregate classification (germline): Uncertain significance. Review status: criteria provided, multiple submitters, no conflicts (2 of 4 stars). 2 submissions from 2 submitters: Uncertain significance (2). Last evaluated 2023-02-06.

Conditions:
Inborn genetic diseases. Identifiers: MedGen C0950123, MeSH D030342.

Allele frequency attached by ClinVar (database versions not stated): ExAC 0.00001; TOPMed 0.00004; gnomAD 0.00011; 1000 Genomes Project 30x 0.00016; 1000 Genomes Project 0.00020.
gnomAD v4.1: 26 of 1,614,234 alleles (0.0016%); highest among the groups gnomAD compares: African/African-American, 0.027%; no homozygotes.

Submissions (2):

Ambry Genetics
Classification: Uncertain significance for Inborn genetic diseases. Last evaluated: 2023-02-06. Review status: criteria provided, single submitter. Criteria: Ambry Variant Classification Scheme 2023. Collection method: clinical testing. Allele origin: germline.

Labcorp Genetics (formerly Invitae), Labcorp
Classification: Uncertain significance. Last evaluated: 2022-06-10. Review status: criteria provided, single submitter. Criteria: Invitae Variant Classification Sherloc (09022015). Collection method: clinical testing. Allele origin: germline.
Comment: This sequence change replaces arginine, which is basic and polar, with histidine, which is basic and polar, at codon 269 of the WARS2 protein (p.Arg269His). This variant is present in population databases (rs545906519, gnomAD 0.02%). This variant has not been reported in the literature in individuals affected with WARS2-related conditions. Algorithms developed to predict the effect of missense changes on protein structure and function (SIFT, PolyPhen-2, Align-GVGD) all suggest that this variant is likely to be disruptive. In summary, the available evidence is currently insufficient to determine the role of this variant in disease. Therefore, it has been classified as a Variant of Uncertain Significance.